The following is an entry in ClinVar:

ClinVar aggregate classification (germline): Pathogenic (1 of 4 stars; one submission).

Conditions:
Inborn genetic diseases. Identifiers: MedGen C0950123, MeSH D030342.

Submission:

Ambry Genetics
Classification: Pathogenic for Inborn genetic diseases. Last evaluated: 2025-01-24. Review status: criteria provided, single submitter. Criteria: Ambry Variant Classification Scheme 2023. Collection method: clinical testing. Allele origin: germline.
Comment: The c.3735_3741delTGAATGT (p.E1246Qfs*29) alteration, located in exon 22 (coding exon 22) of the EP300 gene, consists of a deletion of 7 nucleotides from position 3735 to 3741, causing a translational frameshift with a predicted alternate stop codon after 29 amino acids. This alteration is expected to result in loss of function by premature protein truncation or nonsense-mediated mRNA decay. This variant was not reported in population-based cohorts in the Genome Aggregation Database (gnomAD). Based on the available evidence, this alteration is classified as pathogenic.

NM_001429.4(EP300):c.3735_3741del (p.Glu1246fs)

Gene: EP300 (E1A binding protein p300; plus strand). Cytogenetic location: 22q13.2.
Variant type: Deletion.
Coding change: c.3735_3741del on transcript NM_001429.4 (MANE Select); coding-DNA positions 3735 to 3741, 7 bases deleted (TGAATGT; older notation c.3735_3741delTGAATGT).
Protein change: p.Glu1246fs; shifts the reading frame from glutamic acid 1246.
Molecular consequence: frameshift variant.
Genome position (GRCh38, 1-based): chr22:41,164,059-41,164,065, TGAATGT deleted; deleting any 7 consecutive bases within chr22:41,164,056-41,164,065 gives the same sequence; the c. name uses the placement nearest the transcript's 3' end. VCF-style (leftmost placement, unchanged base first): chr22-41164055-TTGTTGAA-T. GRCh37 (hg19) VCF-style: chr22-41560059-TTGTTGAA-T.
Other names: c.3657_3663del, p.Glu1220fs (NM_001362843.2); short protein forms E1220fs, E1246fs.
Identifiers: ClinVar variation 3845133 (VCV003845133.1).